The following is an entry in ClinVar:

ClinVar aggregate classification (germline): Uncertain significance (1 of 4 stars; one submission).

Conditions:
Familial adenomatous polyposis 1 (FAP1). Also called: FAMILIAL ADENOMATOUS POLYPOSIS 1, ATTENUATED; POLYPOSIS, ADENOMATOUS INTESTINAL. Identifiers: MedGen C2713442, MONDO:0021056, OMIM 175100. Disease mechanism: loss of function.

Submission:

Labcorp Genetics (formerly Invitae), Labcorp
Classification: Uncertain significance for Familial adenomatous polyposis 1. Last evaluated: 2022-06-27. Review status: criteria provided, single submitter. Criteria: Invitae Variant Classification Sherloc (09022015). Collection method: clinical testing. Allele origin: germline.
Comment: In summary, the available evidence is currently insufficient to determine the role of this variant in disease. Therefore, it has been classified as a Variant of Uncertain Significance. Algorithms developed to predict the effect of missense changes on protein structure and function (SIFT, PolyPhen-2, Align-GVGD) all suggest that this variant is likely to be tolerated. This variant has not been reported in the literature in individuals affected with APC-related conditions. This variant is not present in population databases (gnomAD no frequency). This sequence change replaces glutamic acid, which is acidic and polar, with aspartic acid, which is acidic and polar, at codon 1451 of the APC protein (p.Glu1451Asp).

NM_000038.6(APC):c.4353A>C (p.Glu1451Asp)

Gene: APC (APC regulator of Wnt signaling pathway; plus strand). Cytogenetic location: 5q22.2.
Variant type: single nucleotide variant.
Coding change: c.4353A>C on transcript NM_000038.6 (MANE Select); coding-DNA position 4353, A replaced by C.
Protein change: p.Glu1451Asp; replaces glutamic acid 1451 with aspartic acid.
Molecular consequence: missense variant.
Genome position (GRCh38, 1-based): chr5:112,839,947, A>C. VCF-style: chr5-112839947-A-C. GRCh37 (hg19) VCF-style: chr5-112175644-A-C.
Other names: c.4353A>C, p.Glu1451Asp (NM_001127510.3, NM_001354895.2); c.4299A>C, p.Glu1433Asp (NM_001127511.3); c.4407A>C, p.Glu1469Asp (NM_001354896.2); c.4383A>C, p.Glu1461Asp (NM_001354897.2); c.4278A>C, p.Glu1426Asp (NM_001354898.2); c.4269A>C, p.Glu1423Asp (NM_001354899.2); c.4230A>C, p.Glu1410Asp (NM_001354900.2); c.4176A>C, p.Glu1392Asp (NM_001354901.2); and 5 more; short protein forms E1325D, E1423D, E1410D, E1168D, E1426D, E1433D, E1451D, E1461D.
Identifiers: ClinVar variation 1357168 (VCV001357168.8), dbSNP rs2149912556, ClinGen allele CA16030865.